The following is an entry in ClinVar:

NM_005228.5(EGFR):c.101C>T (p.Thr34Met)

Gene: EGFR (epidermal growth factor receptor; plus strand). Cytogenetic location: 7p11.2.
Variant type: single nucleotide variant.
Coding change: c.101C>T on transcript NM_005228.5 (MANE Select); coding-DNA position 101, C replaced by T.
Protein change: p.Thr34Met; replaces threonine 34 with methionine.
Molecular consequence: missense variant. On other transcripts: 5 prime UTR variant (1), intron variant (1).
Genome position (GRCh38, 1-based): chr7:55,142,298, C>T. VCF-style: chr7-55142298-C-T. GRCh37 (hg19) VCF-style: chr7-55209991-C-T.
Other names: c.101C>T, p.Thr34Met (NM_001346897.2, NM_001346898.2, NM_001346899.2 and 3 more transcripts); c.-59C>T (NM_001346900.2); c.89-13532C>T (NM_001346941.2); short protein forms T34M.
Identifiers: ClinVar variation 841630 (VCV000841630.9), dbSNP rs144158123, ClinGen allele CA367574128.

ClinVar aggregate classification (germline): Uncertain significance. Review status: criteria provided, multiple submitters, no conflicts (2 of 4 stars). 2 submissions from 2 submitters: Uncertain significance (2). Last evaluated 2025-03-05.

Conditions:
Hereditary cancer-predisposing syndrome. Also called: Hereditary Cancer Syndrome; Hereditary neoplastic syndrome; Tumor predisposition; Neoplastic Syndromes, Hereditary. Identifiers: Orphanet 140162, MedGen C0027672, MeSH D009386, MONDO:0015356.
EGFR-related lung cancer (EGFR). Identifiers: MedGen CN130014.

Allele frequency attached by ClinVar (database versions not stated): gnomAD exomes below 0.00001.
gnomAD v4.1: 6 of 1,614,182 alleles (0.00037%); highest among the groups gnomAD compares: East Asian, 0.0022%; no homozygotes.

Submissions (2):

Ambry Genetics
Classification: Uncertain significance for Hereditary cancer-predisposing syndrome. Last evaluated: 2025-03-05. Review status: criteria provided, single submitter. Criteria: Ambry Variant Classification Scheme 2023. Collection method: clinical testing. Allele origin: germline.
Comment: The p.T34M variant (also known as c.101C>T), located in coding exon 2 of the EGFR gene, results from a C to T substitution at nucleotide position 101. The threonine at codon 34 is replaced by methionine, an amino acid with similar properties. This amino acid position is well conserved in available vertebrate species. In addition, the in silico prediction for this alteration is inconclusive. Based on the available evidence, the clinical significance of this variant remains unclear.

Labcorp Genetics (formerly Invitae), Labcorp
Classification: Uncertain significance for EGFR-related lung cancer. Last evaluated: 2024-07-16. Review status: criteria provided, single submitter. Criteria: Invitae Variant Classification Sherloc (09022015). Collection method: clinical testing. Allele origin: germline.
Comment: This sequence change replaces threonine, which is neutral and polar, with methionine, which is neutral and non-polar, at codon 34 of the EGFR protein (p.Thr34Met). This variant is present in population databases (no rsID available, gnomAD 0.003%). This variant has not been reported in the literature in individuals affected with EGFR-related conditions. ClinVar contains an entry for this variant (Variation ID: 841630). An algorithm developed to predict the effect of missense changes on protein structure and function (PolyPhen-2) suggests that this variant is likely to be disruptive. In summary, the available evidence is currently insufficient to determine the role of this variant in disease. Therefore, it has been classified as a Variant of Uncertain Significance.